The following is an entry in ClinVar:

NM_001111125.3(IQSEC2):c.4106C>T (p.Pro1369Leu)

Gene: IQSEC2 (IQ motif and Sec7 domain ArfGEF 2; minus strand). Cytogenetic location: Xp11.22.
Variant type: single nucleotide variant.
Coding change: c.4106C>T on transcript NM_001111125.3 (MANE Select); coding-DNA position 4106, C replaced by T.
Protein change: p.Pro1369Leu; replaces proline 1369 with leucine.
Molecular consequence: missense variant. On other transcripts: 3 prime UTR variant (1).
Genome position (GRCh38, 1-based): chrX:53,234,580, G>A on the plus strand (C>T on the coding strand, the complement: IQSEC2 is on the minus strand). VCF-style: chrX-53234580-G-A. GRCh37 (hg19) VCF-style: chrX-53263762-G-A.
Other names: c.*591C>T (NM_001410736.1, NM_015075.2); c.4106C>T (NM_001111125.2); short protein forms P1369L.
Identifiers: ClinVar variation 1719831 (VCV001719831.7), dbSNP rs2519669561, ClinGen allele CA413139499.

ClinVar aggregate classification (germline): Uncertain significance. Review status: criteria provided, multiple submitters, no conflicts (2 of 4 stars). 2 submissions from 2 submitters: Uncertain significance (2). Last evaluated 2026-09-02.

Conditions:
Intellectual developmental disorder, X-linked 1. Also called: MENTAL RETARDATION, X-LINKED 18; MENTAL RETARDATION, X-LINKED 78; Intellectual disability, X-linked 1; Atkin Flaitz Patil Smith syndrome. Identifiers: Orphanet 777, MedGen C2931498, MONDO:0010656, OMIM 309530.
Inborn genetic diseases. Identifiers: MedGen C0950123, MeSH D030342.

Allele frequency attached by ClinVar (database versions not stated): gnomAD exomes below 0.00001.
gnomAD v4.1: 1 of 1,125,312 alleles (0.000089%); highest among the groups gnomAD compares: Non-Finnish European, 0.00012%; no homozygotes.

Submissions (2):

Ambry Genetics
Classification: Uncertain significance for Inborn genetic diseases. Last evaluated: 2026-09-02. Review status: criteria provided, single submitter. Criteria: Ambry Variant Classification Scheme 2023. Collection method: clinical testing. Allele origin: germline.

Labcorp Genetics (formerly Invitae), Labcorp
Classification: Uncertain significance for Intellectual developmental disorder, X-linked 1. Last evaluated: 2022-09-27. Review status: criteria provided, single submitter. Criteria: Invitae Variant Classification Sherloc (09022015). Collection method: clinical testing. Allele origin: germline.
Comment: This variant has not been reported in the literature in individuals affected with IQSEC2-related conditions. Advanced modeling of protein sequence and biophysical properties (such as structural, functional, and spatial information, amino acid conservation, physicochemical variation, residue mobility, and thermodynamic stability) performed at Invitae indicates that this missense variant is not expected to disrupt IQSEC2 protein function. In summary, the available evidence is currently insufficient to determine the role of this variant in disease. Therefore, it has been classified as a Variant of Uncertain Significance. This variant is not present in population databases (gnomAD no frequency). This sequence change replaces proline, which is neutral and non-polar, with leucine, which is neutral and non-polar, at codon 1369 of the IQSEC2 protein (p.Pro1369Leu).